The following is an entry in ClinVar:

ClinVar aggregate classification (germline): Uncertain significance. Review status: criteria provided, multiple submitters, no conflicts (2 of 4 stars). 3 submissions from 3 submitters: Uncertain significance (3). Last evaluated 2024-09-16.

Conditions:
Tumor predisposition syndrome 3 (TPDS3). Also called: Melanoma, cutaneous malignant, susceptibility to, 10; Glioma susceptibility 9; LONG TELOMERE SYNDROME, POT1-RELATED; POT1 Tumor Predisposition. Identifiers: Orphanet 618, MedGen C4014476, MONDO:0014368, OMIM 615848.
Hereditary cancer-predisposing syndrome. Also called: Neoplastic Syndromes, Hereditary; Hereditary Cancer Syndrome; Hereditary neoplastic syndrome; Tumor predisposition. Identifiers: Orphanet 140162, MedGen C0027672, MeSH D009386, MONDO:0015356.

Submissions (3):

Ambry Genetics
Classification: Uncertain significance for Hereditary cancer-predisposing syndrome. Last evaluated: 2024-09-16. Review status: criteria provided, single submitter. Criteria: Ambry Variant Classification Scheme 2023. Collection method: clinical testing. Allele origin: germline.
Comment: The p.C591F variant (also known as c.1772G>T), located in coding exon 14 of the POT1 gene, results from a G to T substitution at nucleotide position 1772. The cysteine at codon 591 is replaced by phenylalanine, an amino acid with highly dissimilar properties. This amino acid position is conserved. In addition, this alteration is predicted to be tolerated by in silico analysis. Based on the available evidence, the clinical significance of this variant remains unclear.

Quest Diagnostics Nichols Institute San Juan Capistrano
Classification: Uncertain significance. Last evaluated: 2024-03-08. Review status: criteria provided, single submitter. Criteria: Quest Diagnostics criteria. Collection method: clinical testing. Allele origin: unknown.

Labcorp Genetics (formerly Invitae), Labcorp
Classification: Uncertain significance for Tumor predisposition syndrome 3. Last evaluated: 2022-10-13. Review status: criteria provided, single submitter. Criteria: Invitae Variant Classification Sherloc (09022015). Collection method: clinical testing. Allele origin: germline.
Comment: Advanced modeling of protein sequence and biophysical properties (such as structural, functional, and spatial information, amino acid conservation, physicochemical variation, residue mobility, and thermodynamic stability) performed at Invitae indicates that this missense variant is not expected to disrupt POT1 protein function. In summary, the available evidence is currently insufficient to determine the role of this variant in disease. Therefore, it has been classified as a Variant of Uncertain Significance. ClinVar contains an entry for this variant (Variation ID: 1038828). This variant has not been reported in the literature in individuals affected with POT1-related conditions. This variant is not present in population databases (gnomAD no frequency). This sequence change replaces cysteine, which is neutral and slightly polar, with phenylalanine, which is neutral and non-polar, at codon 591 of the POT1 protein (p.Cys591Phe).

NM_015450.3(POT1):c.1772G>T (p.Cys591Phe)

Gene: POT1 (protection of telomeres 1; minus strand). Cytogenetic location: 7q31.33.
Variant type: single nucleotide variant.
Coding change: c.1772G>T on transcript NM_015450.3 (MANE Select); coding-DNA position 1772, G replaced by T.
Protein change: p.Cys591Phe; replaces cysteine 591 with phenylalanine.
Molecular consequence: missense variant. On other transcripts: non-coding transcript variant (3).
Genome position (GRCh38, 1-based): chr7:124,825,272, C>A on the plus strand (G>T on the coding strand, the complement: POT1 is on the minus strand). VCF-style: chr7-124825272-C-A. GRCh37 (hg19) VCF-style: chr7-124465326-C-A.
Other names: c.1772G>T (NM_015450.2); c.1379G>T, p.Cys460Phe (NM_001042594.2); short protein forms C460F, C591F.
Identifiers: ClinVar variation 1038828 (VCV001038828.10), dbSNP rs1794601957, ClinGen allele CA369062158.
Genomic context (GRCh38, chr7:124,825,272, plus strand): 5'-AGTAAAAGAAGTGTGGGATTGTTAAAATATTCTTGCCTACCAATTTTTATTCCTGGAGGA[C>A]AAAACATATCCATGATCATATCCACACTTTTCTGAAGGTCATCATCCATCAGAACTTCTG-3'
Protein context (NP_056265.2, residues 581-601): KSVDMIMDMF[Cys591Phe]PPGIKIDAYP